The following is an entry in ClinVar:

NM_000545.8(HNF1A):c.676_678del (p.Lys226del)

Gene: HNF1A (HNF1 homeobox A; plus strand). Cytogenetic location: 12q24.31.
Variant type: Deletion.
Coding change: c.676_678del on transcript NM_000545.8 (MANE Select); coding-DNA positions 676 to 678, 3 bases deleted (AAG; older notation c.676_678delAAG).
Protein change: p.Lys226del; deletes lysine 226.
Molecular consequence: inframe deletion.
Genome position (GRCh38, 1-based): chr12:120,993,669-120,993,671, AAG deleted. VCF-style (leftmost placement, unchanged base first): chr12-120993668-CAAG-C. GRCh37 (hg19) VCF-style: chr12-121431471-CAAG-C.
Other names: NM_000545.6(HNF1A):c.676_678del; p.Lys226del; NM_000545.8(HNF1A):c.676_678del; c.676_678del, p.Lys226del (NM_001306179.2); short protein forms K226del.
Identifiers: ClinVar variation 435428 (VCV000435428.9), dbSNP rs1555211927, ClinGen allele CA482164157.
Genomic context (GRCh38, chr12:120,993,668, plus strand): 5'-GTGGGGCCCAGCATCCCAGCAGATCCTGTTCCAGGCCTATGAGAGGCAGAAGAACCCTAG[CAAG>C]GAGGAGCGAGAGACGCTAGTGGAGGAGTGCAATAGGTACAACGGCGGGCGGGAAACAGTG-3'

ClinVar aggregate classification (germline): Uncertain significance. Review status: reviewed by expert panel (3 of 4 stars). 3 submissions from 3 submitters: Uncertain significance (1). 2 of the submissions do not count toward it. Last evaluated 2025-10-28.

Conditions:
Monogenic diabetes. Identifiers: Orphanet 183625, MedGen C3888631, MONDO:0015967.
Maturity-onset diabetes of the young (MODY). Also called: Maturity onset diabetes mellitus in young. Identifiers: Orphanet 552, MedGen C0342276, MONDO:0018911, HP:0004904.
Maturity-onset diabetes of the young type 3. Also called: MODY type 3; MODY, type III. Identifiers: Orphanet 552, MedGen C1838100, MeSH C563933, MONDO:0010894, OMIM 600496. Disease mechanism: loss of function.

Submissions (3):

ClinGen Monogenic Diabetes Variant Curation Expert Panel
Classification: Uncertain significance for Monogenic diabetes. Last evaluated: 2025-10-28. Review status: reviewed by expert panel. Criteria: ClinGen Diabetes ACMG Specifications HNF1A V3.1.0. Collection method: curation. Allele origin: germline. Inheritance: Autosomal dominant inheritance.
Comment: The c.676_678del variant in the HNF1 homeobox A gene, HNF1A, is a three base pair deletion resulting in the in-frame deletion of one amino acid at codon 226 (p.(Lys226del)) within exon 3 of NM_000545.8. This variant is located within a conserved region of the DNA binding domain (codons 107-174 and 201-280) of HNF1A, which is defined as critical for the protein’s function by the ClinGen MDEP (PM1_Supporting). Additionally, this variant is absent from gnomAD v4.1.0 (PM2_Supporting). The c.676_678del variant is predicted to change the length of the protein due to an in-frame deletion of a single amino acid in a nonrepeat region (PM4_Supporting). In summary, c.676_678del meets the criteria to be classified as a variant of uncertain significance for monogenic diabetes. ACMG/AMP criteria applied, as specified by the ClinGen MDEP (specification version 3.1.0, approved 10/10/2025): PM1_Supporting, PM2_Supporting, PM4_Supporting, PP4.

Genetic Services Laboratory, University of Chicago
Classification: Likely pathogenic for MODY, type III. Last evaluated: 2017-03-27. Review status: criteria provided, single submitter. Criteria: ACMG Guidelines, 2015. Collection method: clinical testing. Allele origin: germline. Affected: yes. Not counted in ClinVar's aggregate classification.

Clinical Genomics, Uppaluri K&H Personalized Medicine Clinic
Classification: Likely benign for Maturity-onset diabetes of the young. Review status: criteria provided, single submitter. Criteria: K & H Uppaluri Personalized Medicine Clinic Variant Classification & Assertion Criteria_Updated V.1. Collection method: research. Allele origin: unknown. Inheritance: Autosomal dominant inheritance. Not counted in ClinVar's aggregate classification.
Comment: Mutations in HNF1A gene can predispose to MODY3. It is associated with both micro and macrovascular complications of diabetes, especially cardiovascular complications. Associated with glucosuria. May respond well to sulfonylureas. However, more evidence is required to confer the association of this particular variant rs1555211927 with MODY3.

Literature cited by the submitters: PubMed 31517624 (cited by Clinical Genomics, Uppaluri K&H Personalized Medicine Clinic); PubMed 32395877 (cited by Clinical Genomics, Uppaluri K&H Personalized Medicine Clinic); PubMed 35328643 (cited by Clinical Genomics, Uppaluri K&H Personalized Medicine Clinic); PubMed 35673428 (cited by Clinical Genomics, Uppaluri K&H Personalized Medicine Clinic).